The following is an entry in ClinVar:

ClinVar aggregate classification (germline): Benign/Likely benign. Review status: criteria provided, multiple submitters, no conflicts (2 of 4 stars). 5 submissions from 5 submitters: Benign (1); Likely benign (4). Last evaluated 2026-01-05.

Conditions:
Inborn genetic diseases. Identifiers: MedGen C0950123, MeSH D030342.

Allele frequency attached by ClinVar (database versions not stated): gnomAD 0.00283 and 0.00305; gnomAD exomes 0.00082 and 0.00027; ExAC 0.00199; ESP Exome Variant Server 0.00362.
gnomAD v4.1: 832 of 1,597,708 alleles (0.052%); highest among the groups gnomAD compares: African/African-American, 0.97%; 5 homozygotes.

Submissions (5):

Labcorp Genetics (formerly Invitae), Labcorp
Classification: Benign. Last evaluated: 2026-01-05. Review status: criteria provided, single submitter. Criteria: Invitae Variant Classification Sherloc (09022015). Collection method: clinical testing. Allele origin: germline.

CeGaT Center for Human Genetics Tuebingen
Classification: Likely benign. Last evaluated: 2023-01-01. Review status: criteria provided, single submitter. Criteria: CeGaT Center For Human Genetics Tuebingen Variant Classification Criteria Version 2. Collection method: clinical testing. Allele origin: germline. Affected: yes. Observed: 2 variant alleles.
Comment: TRAPPC9: BP4, BS2

GeneDx
Classification: Likely benign. Last evaluated: 2020-01-07. Review status: criteria provided, single submitter. Criteria: GeneDx Variant Classification Process June 2021. Collection method: clinical testing. Allele origin: germline. Affected: yes.

Ambry Genetics
Classification: Likely benign for Inborn genetic diseases. Last evaluated: 2018-07-10. Review status: criteria provided, single submitter. Criteria: Ambry Variant Classification Scheme 2023. Collection method: clinical testing. Allele origin: germline.

Breakthrough Genomics
Classification: Likely benign. Review status: criteria provided, single submitter. Criteria: ACMG Guidelines, 2015. Collection method: not provided. Allele origin: germline. Inheritance: Autosomal recessive inheritance. Affected: yes.

NM_031466.8(TRAPPC9):c.-108A>G

Gene: TRAPPC9 (trafficking protein particle complex subunit 9; minus strand). Cytogenetic location: 8q24.3.
Variant type: single nucleotide variant.
Coding change: c.-108A>G on transcript NM_031466.8; 108 bases upstream of the start codon, A replaced by G.
Molecular consequence: 5 prime UTR variant.
Genome position (GRCh38, 1-based): chr8:140,458,378, T>C on the plus strand (A>G on the coding strand, the complement: TRAPPC9 is on the minus strand). VCF-style: chr8-140458378-T-C. GRCh37 (hg19) VCF-style: chr8-141468477-T-C.
Identifiers: ClinVar variation 587904 (VCV000587904.49), dbSNP rs144686266, ClinGen allele CA4893858.